The following is an entry in ClinVar:

ClinVar aggregate classification (germline): Likely benign. Review status: criteria provided, multiple submitters, no conflicts (2 of 4 stars). 2 submissions from 2 submitters: Likely benign (2). Last evaluated 2025-10-24.

Allele frequency attached by ClinVar (database versions not stated): ESP Exome Variant Server 0.00023; 1000 Genomes Project 30x 0.00031; 1000 Genomes Project 0.00040; gnomAD 0.00011 and 0.00012; TOPMed 0.00016.
gnomAD v4.1: 78 of 1,614,092 alleles (0.0048%); highest among the groups gnomAD compares: African/African-American, 0.06%; 1 homozygote.

Submissions (2):

Labcorp Genetics (formerly Invitae), Labcorp
Classification: Likely benign. Last evaluated: 2025-10-24. Review status: criteria provided, single submitter. Criteria: Invitae Variant Classification Sherloc (09022015). Collection method: clinical testing. Allele origin: germline.

Mayo Clinic Laboratories, Mayo Clinic
Classification: Likely benign. Last evaluated: 2025-10-17. Review status: criteria provided, single submitter. Criteria: ACMG Guidelines, 2015. Collection method: clinical testing. Allele origin: germline. Observed: 1 variant allele.
Comment: BP4, BP7

NM_000037.4(ANK1):c.3039C>T (p.Asn1013=)

Gene: ANK1 (ankyrin 1; minus strand). Cytogenetic location: 8p11.21.
Variant type: single nucleotide variant.
Coding change: c.3039C>T on transcript NM_000037.4 (MANE Select); coding-DNA position 3039, C replaced by T.
Protein change: p.Asn1013=; no amino-acid change (asparagine 1013 retained).
Molecular consequence: synonymous variant.
Genome position (GRCh38, 1-based): chr8:41,695,253, G>A on the plus strand (C>T on the coding strand, the complement: ANK1 is on the minus strand). VCF-style: chr8-41695253-G-A. GRCh37 (hg19) VCF-style: chr8-41552771-G-A.
Other names: p.Asn1013=; c.3162C>T, p.Asn1054= (NM_001142446.2); c.3039C>T, p.Asn1013= (NM_020475.3, NM_020476.3, NM_020477.3).
Identifiers: ClinVar variation 785248 (VCV000785248.7), dbSNP rs111620878, ClinGen allele CA4727996.